The following is an entry in ClinVar:

NM_000441.2(SLC26A4):c.737del (p.Asn246fs)

Gene: SLC26A4 (solute carrier family 26 member 4; plus strand). Cytogenetic location: 7q22.3.
Variant type: Deletion.
Coding change: c.737del on transcript NM_000441.2 (MANE Select); coding-DNA position 737, one base deleted (A; older notation c.737delA).
Protein change: p.Asn246fs; shifts the reading frame from asparagine 246.
Molecular consequence: frameshift variant.
Genome position (GRCh38, 1-based): chr7:107,675,081, A deleted; the last of 5 consecutive A bases (chr7:107,675,077-107,675,081); deleting any one gives the same sequence. VCF-style (leftmost placement, unchanged base first): chr7-107675076-CA-C. GRCh37 (hg19) VCF-style: chr7-107315521-CA-C.
Other names: short protein forms N246fs.
Identifiers: ClinVar variation 558078 (VCV000558078.17), dbSNP rs918684449, ClinGen allele CA164200115.

ClinVar aggregate classification (germline): Pathogenic/Likely pathogenic. Review status: criteria provided, multiple submitters, no conflicts (2 of 4 stars). 6 submissions from 6 submitters: Pathogenic (3); Likely pathogenic (1). 2 of the submissions do not count toward it. Last evaluated 2025-11-08.

Conditions:
Autosomal recessive nonsyndromic hearing loss 4 (DFNB4). Also called: Deafness, autosomal recessive 4; FOXI1-Related Pendred Syndrome; KCNJ10-Related Pendred Syndrome; DEAFNESS, AUTOSOMAL RECESSIVE 4, WITH ENLARGED VESTIBULAR AQUEDUCT, DIGENIC; Enlarged vestibular aqueduct, digenic; Nonsyndromic enlarged vestibular aqueduct (NSEVA). Identifiers: Orphanet 90636, MedGen C3538946, MONDO:0010933, OMIM 600791.
Pendred syndrome (PDS). Also called: DEAFNESS WITH GOITER; Pendred's syndrome; GOITER-DEAFNESS SYNDROME; HYPOTHYROIDISM, CONGENITAL, DUE TO DYSHORMONOGENESIS, 2B; THYROID DYSHORMONOGENESIS 2B; THYROID HORMONOGENESIS, GENETIC DEFECT IN, 2B. Identifiers: Orphanet 705, MedGen C0271829, MONDO:0010134, OMIM 274600.

Submissions (6):

Labcorp Genetics (formerly Invitae), Labcorp
Classification: Pathogenic. Last evaluated: 2025-11-08. Review status: criteria provided, single submitter. Criteria: Invitae Variant Classification Sherloc (09022015). Collection method: clinical testing. Allele origin: germline.
Comment: This sequence change creates a premature translational stop signal (p.Asn246Thrfs*43) in the SLC26A4 gene. It is expected to result in an absent or disrupted protein product. Loss-of-function variants in SLC26A4 are known to be pathogenic (PMID: 16283880, 25394566, 26252218, 26445815). This variant is present in population databases (no rsID available, gnomAD 0.01%). This premature translational stop signal has been observed in individual(s) with deafness (PMID: 27344577). ClinVar contains an entry for this variant (Variation ID: 558078). For these reasons, this variant has been classified as Pathogenic.

Fulgent Genetics
Classification: Pathogenic for Pendred syndrome; Autosomal recessive nonsyndromic hearing loss 4. Last evaluated: 2024-05-07. Review status: criteria provided, single submitter. Criteria: ACMG Guidelines, 2015. Collection method: clinical testing. Allele origin: germline.

Baylor Genetics
Classification: Pathogenic for Autosomal recessive nonsyndromic hearing loss 4. Last evaluated: 2023-08-20. Review status: criteria provided, single submitter. Criteria: ACMG Guidelines, 2015. Collection method: clinical testing. Allele origin: unknown.

Genome-Nilou Lab
Classification: Likely pathogenic for Pendred syndrome. Last evaluated: 2021-09-05. Review status: criteria provided, single submitter. Criteria: ACMG Guidelines, 2015. Collection method: clinical testing. Allele origin: germline. Affected: no.

Natera, Inc.
Classification: Pathogenic for Pendred syndrome. Last evaluated: 2020-10-31. Review status: no assertion criteria provided. Collection method: clinical testing. Allele origin: germline. Not counted in ClinVar's aggregate classification.

Counsyl
Classification: Likely pathogenic for Pendred syndrome. Last evaluated: 2018-05-01. Review status: no assertion criteria provided. Collection method: clinical testing. Allele origin: unknown. Not counted in ClinVar's aggregate classification.

Literature cited by the submitters: PubMed 16283880 (cited by Labcorp Genetics (formerly Invitae), Labcorp); PubMed 25394566 (cited by Labcorp Genetics (formerly Invitae), Labcorp); PubMed 26252218 (cited by Labcorp Genetics (formerly Invitae), Labcorp); PubMed 26445815 (cited by Labcorp Genetics (formerly Invitae), Labcorp); PubMed 27344577 (cited by Labcorp Genetics (formerly Invitae), Labcorp and Counsyl).